The following is an entry in ClinVar:

NM_001005242.3(PKP2):c.-13C>G

Gene: PKP2 (plakophilin 2; minus strand). Cytogenetic location: 12p11.21.
Variant type: single nucleotide variant.
Coding change: c.-13C>G on transcript NM_001005242.3 (MANE Select); 13 bases upstream of the start codon, C replaced by G.
Molecular consequence: 5 prime UTR variant.
Genome position (GRCh38, 1-based): chr12:32,896,744, G>C on the plus strand (C>G on the coding strand, the complement: PKP2 is on the minus strand). VCF-style: chr12-32896744-G-C. GRCh37 (hg19) VCF-style: chr12-33049678-G-C.
Other names: c.-13C>G (NM_001407155.1, NM_001407156.1, NM_001407157.1 and 2 more transcripts); c.-839C>G (NM_001407158.1, NM_001407162.1); c.-603C>G (NM_001407159.1, NM_001407160.1).
Identifiers: ClinVar variation 3387507 (VCV003387507.1).
Genomic context (GRCh38, chr12:32,896,744, plus strand): 5'-GACGGTCCGGATGTAGCCGTACTCAGCTGGGGCGCCGGGGGCTGCCATGGGGCCGGTGGG[G>C]GCGACCGAGCTGCTCGCCTGCCTCTGGACTCGCGGGCGAAGCCGCCACGGAGCTGGGGGC-3'

ClinVar aggregate classification (germline): Uncertain significance (1 of 4 stars; one submission).

Conditions:
Arrhythmogenic right ventricular cardiomyopathy (ARVD). Also called: Arrhythmogenic right ventricular dysplasia; Cardiomyopathy, ARVC; Arrhythmogenic cardiomyopathy; Arrhythmogenic Right Ventricular Cardiomyopathy (ARVC). Identifiers: Orphanet 247, MedGen C0349788, MeSH D019571, MONDO:0016587. Disease mechanism: loss of function. Inheritance: Various modes of inheritance.

Submission:

All of Us Research Program, National Institutes of Health
Classification: Uncertain significance for Arrhythmogenic right ventricular cardiomyopathy. Last evaluated: 2024-05-30. Review status: criteria provided, single submitter. Criteria: ACMG Guidelines, 2015. Collection method: clinical testing. Allele origin: germline. Inheritance: Autosomal dominant inheritance. Observed: 1 variant allele, 1 heterozygote.
Comment: This variant is located in the 5' untranslated region of the PKP2 gene. To our knowledge, functional studies have not been reported for this variant. This variant has not been reported in individuals affected with PKP2-related disorders in the literature. This variant has not been identified in the general population by the Genome Aggregation Database (gnomAD). The available evidence is insufficient to determine the role of this variant in disease conclusively. Therefore, this variant is classified as a Variant of Uncertain Significance.

This study involves interpretation of variants in research participants for the purpose of population health screening. Participant phenotype was not available at the time of variant classification. Additional details can be found in publication PMID: 35346344, PMCID: PMC8962531